The following is an entry in ClinVar:

NM_017763.6(RNF43):c.1207C>T (p.Gln403Ter)

Gene: RNF43 (ring finger protein 43; minus strand). Cytogenetic location: 17q22.
Variant type: single nucleotide variant.
Coding change: c.1207C>T on transcript NM_017763.6 (MANE Select); coding-DNA position 1207, C replaced by T.
Protein change: p.Gln403Ter; replaces glutamine 403 with a stop codon.
Molecular consequence: nonsense.
Genome position (GRCh38, 1-based): chr17:58,358,569, G>A on the plus strand (C>T on the coding strand, the complement: RNF43 is on the minus strand). VCF-style: chr17-58358569-G-A. GRCh37 (hg19) VCF-style: chr17-56435930-G-A.
Other names: c.1207C>T, p.Gln403Ter (NM_001305544.3); c.826C>T, p.Gln276Ter (NM_001305545.2); short protein forms Q276*, Q403*.
Identifiers: ClinVar variation 2891194 (VCV002891194.6), dbSNP rs1436857798, ClinGen allele CA400330935.

ClinVar aggregate classification (germline): Conflicting classifications of pathogenicity. Review status: criteria provided, conflicting classifications (1 of 4 stars). 4 submissions from 4 submitters: Pathogenic (1); Likely pathogenic (1); Uncertain significance (2). Last evaluated 2025-12-15.

Conditions:
Sessile serrated polyposis cancer syndrome (SSPCS). Identifiers: Orphanet 157798, MedGen C4310714, MONDO:0014919, OMIM 617108.

Allele frequency attached by ClinVar (database versions not stated): gnomAD exomes below 0.00001; TOPMed 0.00006; gnomAD 0.00011.

Submissions (4):

Myriad Genetics, Inc.
Classification: Pathogenic for Sessile serrated polyposis cancer syndrome. Last evaluated: 2025-12-15. Review status: criteria provided, single submitter. Criteria: Myriad Autosomal Dominant, Autosomal Recessive and X-Linked Classification Criteria (2023). Collection method: clinical testing. Allele origin: unknown.
Comment: This variant is considered pathogenic. This variant creates a termination codon and is predicted to result in premature protein truncation.

Labcorp Genetics (formerly Invitae), Labcorp
Classification: Uncertain significance. Last evaluated: 2024-04-01. Review status: criteria provided, single submitter. Criteria: Invitae Variant Classification Sherloc (09022015). Collection method: clinical testing. Allele origin: germline.
Comment: This sequence change creates a premature translational stop signal (p.Gln403*) in the RNF43 gene. It is expected to result in an absent or disrupted protein product. However, the current clinical and genetic evidence is not sufficient to establish whether loss-of-function variants in RNF43 cause disease. This variant is present in population databases (no rsID available, gnomAD 0.01%). This variant has not been reported in the literature in individuals affected with RNF43-related conditions. In summary, the available evidence is currently insufficient to determine the role of this variant in disease. Therefore, it has been classified as a Variant of Uncertain Significance.

Genomic Medicine Center of Excellence, King Faisal Specialist Hospital and Research Centre
Classification: Likely pathogenic for Sessile serrated polyposis cancer syndrome. Last evaluated: 2024-03-26. Review status: criteria provided, single submitter. Criteria: ACMG Guidelines, 2015. Collection method: clinical testing. Allele origin: germline.

Baylor Genetics
Classification: Uncertain significance for Sessile serrated polyposis cancer syndrome. Last evaluated: 2023-11-06. Review status: criteria provided, single submitter. Criteria: ACMG Guidelines, 2015. Collection method: clinical testing. Allele origin: unknown.